The following is an entry in ClinVar:

ClinVar aggregate classification (germline): Uncertain significance. Review status: criteria provided, multiple submitters, no conflicts (2 of 4 stars). 3 submissions from 3 submitters: Uncertain significance (3). Last evaluated 2024-02-06.

Conditions:
Age related macular degeneration 9. Identifiers: MedGen C1969651, MONDO:0012659, OMIM 611378.
Atypical hemolytic-uremic syndrome with C3 anomaly. Also called: AHUS, SUSCEPTIBILITY TO, 5. Identifiers: Orphanet 2134, MedGen C2752037, MONDO:0013043, OMIM 612925.
Complement component 3 deficiency. Identifiers: Orphanet 280133, MedGen C3151071, MONDO:0013417, OMIM 613779.

Allele frequency attached by ClinVar (database versions not stated): gnomAD exomes below 0.00001; ExAC 0.00001.
gnomAD v4.1: 1 of 1,614,040 alleles (0.000062%); no homozygotes.

Submissions (3):

Fulgent Genetics
Classification: Uncertain significance for Age related macular degeneration 9; Atypical hemolytic-uremic syndrome with C3 anomaly; Complement component 3 deficiency. Last evaluated: 2024-02-06. Review status: criteria provided, single submitter. Criteria: ACMG Guidelines, 2015. Collection method: clinical testing. Allele origin: germline.

Labcorp Genetics (formerly Invitae), Labcorp
Classification: Uncertain significance. Last evaluated: 2023-06-09. Review status: criteria provided, single submitter. Criteria: Invitae Variant Classification Sherloc (09022015). Collection method: clinical testing. Allele origin: germline.
Comment: This variant has not been reported in the literature in individuals affected with C3-related conditions. In summary, the available evidence is currently insufficient to determine the role of this variant in disease. Therefore, it has been classified as a Variant of Uncertain Significance. Advanced modeling of protein sequence and biophysical properties (such as structural, functional, and spatial information, amino acid conservation, physicochemical variation, residue mobility, and thermodynamic stability) performed at Invitae indicates that this missense variant is expected to disrupt C3 protein function. ClinVar contains an entry for this variant (Variation ID: 1306891). This variant is present in population databases (rs771305132, gnomAD no frequency). This sequence change replaces glutamic acid, which is acidic and polar, with lysine, which is basic and polar, at codon 843 of the C3 protein (p.Glu843Lys).

GeneDx
Classification: Uncertain significance. Last evaluated: 2019-07-30. Review status: criteria provided, single submitter. Criteria: GeneDx Variant Classification Process June 2021. Collection method: clinical testing. Allele origin: germline. Affected: yes.
Comment: Not observed at a significant frequency in large population cohorts (Lek et al., 2016); In silico analysis, which includes protein predictors and evolutionary conservation, supports a deleterious effect; Has not been previously published as pathogenic or benign to our knowledge

NM_000064.4(C3):c.2527G>A (p.Glu843Lys)

Gene: C3 (complement C3; minus strand). Cytogenetic location: 19p13.3.
Variant type: single nucleotide variant.
Coding change: c.2527G>A on transcript NM_000064.4 (MANE Select); coding-DNA position 2527, G replaced by A.
Protein change: p.Glu843Lys; replaces glutamic acid 843 with lysine.
Molecular consequence: missense variant.
Genome position (GRCh38, 1-based): chr19:6,697,708, C>T on the plus strand (G>A on the coding strand, the complement: C3 is on the minus strand). VCF-style: chr19-6697708-C-T. GRCh37 (hg19) VCF-style: chr19-6697719-C-T.
Other names: short protein forms E843K.
Identifiers: ClinVar variation 1306891 (VCV001306891.6), dbSNP rs771305132, ClinGen allele CA9129047.